The following is an entry in ClinVar:

NM_030770.4(TMPRSS5):c.1206+41T>G

Genes: TMPRSS5 (transmembrane serine protease 5; minus strand), LOC126861343 (MED14-independent group 3 enhancer GRCh37_chr11:113560791-113561990; plus strand). Cytogenetic location: 11q23.2.
Variant type: single nucleotide variant.
Coding change: c.1206+41T>G on transcript NM_030770.4 (MANE Select); 41 bases into the intron after coding-DNA position 1206, T replaced by G.
Molecular consequence: intron variant.
Genome position (GRCh38, 1-based): chr11:113,690,190, A>C on the plus strand (T>G on the coding strand, the complement: TMPRSS5 is on the minus strand). VCF-style: chr11-113690190-A-C. GRCh37 (hg19) VCF-style: chr11-113560912-A-C.
Other names: c.867+41T>G (NM_001288749.2); c.1074+41T>G (NM_001288750.2); c.999+41T>G (NM_001288752.2); c.1179+41T>G (NM_001288751.2).
Identifiers: ClinVar variation 675054 (VCV000675054.1), dbSNP rs753267452, ClinGen allele CA6281578.

ClinVar aggregate classification (germline): Benign (1 of 4 stars; one submission).

Submission:

GeneDx
Classification: Benign. Last evaluated: 2018-06-16. Review status: criteria provided, single submitter. Criteria: GeneDx Variant Classification (06012015). Collection method: clinical testing. Allele origin: germline. Affected: yes.
Comment: This variant is considered likely benign or benign based on one or more of the following criteria: it is a conservative change, it occurs at a poorly conserved position in the protein, it is predicted to be benign by multiple in silico algorithms, and/or has population frequency not consistent with disease.